The following is an entry in ClinVar:

NM_000092.5(COL4A4):c.4235G>A (p.Gly1412Glu)

Gene: COL4A4 (collagen type IV alpha 4 chain; minus strand). Cytogenetic location: 2q36.3.
Variant type: single nucleotide variant.
Coding change: c.4235G>A on transcript NM_000092.5 (MANE Select); coding-DNA position 4235, G replaced by A.
Protein change: p.Gly1412Glu; replaces glycine 1412 with glutamic acid.
Molecular consequence: missense variant.
Genome position (GRCh38, 1-based): chr2:227,012,279, C>T on the plus strand (G>A on the coding strand, the complement: COL4A4 is on the minus strand). VCF-style: chr2-227012279-C-T. GRCh37 (hg19) VCF-style: chr2-227876995-C-T.
Other names: short protein forms G1412E.
Identifiers: ClinVar variation 1712012 (VCV001712012.7), dbSNP rs201996712, ClinGen allele CA2144228.

ClinVar aggregate classification (germline): Conflicting classifications of pathogenicity. Review status: criteria provided, conflicting classifications (1 of 4 stars). 5 submissions from 5 submitters: Likely pathogenic (2); Uncertain significance (3). Last evaluated 2025-08-20.

Conditions:
Autosomal recessive Alport syndrome (ATS2). Also called: COL4A4 Alport Syndrome and Thin Basement Membrane Nephropathy; ALPORT SYNDROME 2, AUTOSOMAL RECESSIVE; Alport syndrome type 2; COL4A3-Related Nephropathy. Identifiers: Orphanet 63, Orphanet 88919, MedGen C4746745, MONDO:0008762, OMIM 203780.
Hematuria, benign familial, 1 (BFH1). Also called: THIN MEMBRANE NEPHROPATHY. Identifiers: MedGen CN376803, MONDO:0007709, OMIM 141200.
Inborn genetic diseases. Identifiers: MedGen C0950123, MeSH D030342.
Alport syndrome. Also called: Hemorrhagic familial nephritis; Hemorrhagic hereditary nephritis; Congenital hereditary hematuria. Identifiers: Orphanet 63, MedGen C1567741, MONDO:0018965.

Allele frequency attached by ClinVar (database versions not stated): gnomAD exomes below 0.00001; ExAC 0.00003; TOPMed 0.00004; gnomAD 0.00005; 1000 Genomes Project 30x 0.00016; 1000 Genomes Project 0.00020.
gnomAD v4.1: 9 of 1,614,008 alleles (0.00056%); highest among the groups gnomAD compares: African/African-American, 0.012%; no homozygotes.

Submissions (5):

Natera, Inc.
Classification: Likely pathogenic for Alport syndrome. Last evaluated: 2025-08-20. Review status: criteria provided, single submitter. Criteria: Natera Variant Classification Schema (03/2026). Collection method: clinical testing. Allele origin: germline.
Comment: The c.4235G>A variant in COL4A4 is a missense variant predicted to cause substitution of glycine to glutamic acid at amino acid 1412. This variant is rare in the general population with a frequency below the threshold expected for the associated phenotype(s). This variant is located in a functionally critical region of the protein. Computational prediction algorithms indicate this variant is likely to affect gene or protein function. Given the available evidence, this variant is classified as Likely Pathogenic.

Labcorp Genetics (formerly Invitae), Labcorp
Classification: Uncertain significance. Last evaluated: 2025-06-12. Review status: criteria provided, single submitter. Criteria: Invitae Variant Classification Sherloc (09022015). Collection method: clinical testing. Allele origin: germline.
Comment: This sequence change replaces glycine, which is neutral and non-polar, with glutamic acid, which is acidic and polar, at codon 1412 of the COL4A4 protein (p.Gly1412Glu). This variant is present in population databases (rs201996712, gnomAD 0.03%). This variant has not been reported in the literature in individuals affected with COL4A4-related conditions. ClinVar contains an entry for this variant (Variation ID: 1712012). Invitae Evidence Modeling of protein sequence and biophysical properties (such as structural, functional, and spatial information, amino acid conservation, physicochemical variation, residue mobility, and thermodynamic stability) indicates that this missense variant is expected to disrupt COL4A4 protein function with a positive predictive value of 95%. In summary, the available evidence is currently insufficient to determine the role of this variant in disease. Therefore, it has been classified as a Variant of Uncertain Significance.

Ambry Genetics
Classification: Uncertain significance for Inborn genetic diseases. Last evaluated: 2025-02-05. Review status: criteria provided, single submitter. Criteria: Ambry Variant Classification Scheme 2023. Collection method: clinical testing. Allele origin: germline.

GeneDx
Classification: Uncertain significance. Last evaluated: 2024-10-25. Review status: criteria provided, single submitter. Criteria: GeneDx Variant Classification Process June 2021. Collection method: clinical testing. Allele origin: germline. Affected: yes.
Comment: In silico analysis supports that this missense variant has a deleterious effect on protein structure/function; Affects a glycine residue in a Gly-X-Y motif in the triple helical region of the COL4A4 gene; Has not been previously published as pathogenic or benign to our knowledge

Fulgent Genetics
Classification: Likely pathogenic for Hematuria, benign familial, 1; Autosomal recessive Alport syndrome. Last evaluated: 2024-05-13. Review status: criteria provided, single submitter. Criteria: ACMG Guidelines, 2015. Collection method: clinical testing. Allele origin: germline.